The following is an entry in ClinVar:

NM_006231.4(POLE):c.3133G>T (p.Asp1045Tyr)

Gene: POLE (DNA polymerase epsilon, catalytic subunit; minus strand). Cytogenetic location: 12q24.33.
Variant type: single nucleotide variant.
Coding change: c.3133G>T on transcript NM_006231.4 (MANE Select); coding-DNA position 3133, G replaced by T.
Protein change: p.Asp1045Tyr; replaces aspartic acid 1045 with tyrosine.
Molecular consequence: missense variant.
Genome position (GRCh38, 1-based): chr12:132,659,437, C>A on the plus strand (G>T on the coding strand, the complement: POLE is on the minus strand). VCF-style: chr12-132659437-C-A. GRCh37 (hg19) VCF-style: chr12-133236023-C-A.
Other names: short protein forms D1045Y.
Identifiers: ClinVar variation 2768973 (VCV002768973.3), dbSNP rs2138677438, ClinGen allele CA387391051.
Genomic context (GRCh38, chr12:132,659,437, plus strand): 5'-CCAGGAACTCGGCCAGGCGCTTTGCTGTGCTGATGGACGTAGACTTCTGCTCCCCGTAAT[C>A]TTCCAGCTTCCGAGACATGGAACGGTTCTCAGAGATGAGCTCGAATAGCTCAGAGTCAGG-3'
Protein context (NP_006222.2, residues 1035-1055): ENRSMSRKLE[Asp1045Tyr]YGEQKSTSIS

ClinVar aggregate classification (germline): Uncertain significance (1 of 4 stars; one submission).

Submission:

Labcorp Genetics (formerly Invitae), Labcorp
Classification: Uncertain significance. Last evaluated: 2023-10-17. Review status: criteria provided, single submitter. Criteria: Invitae Variant Classification Sherloc (09022015). Collection method: clinical testing. Allele origin: germline.
Comment: This sequence change replaces aspartic acid, which is acidic and polar, with tyrosine, which is neutral and polar, at codon 1045 of the POLE protein (p.Asp1045Tyr). This variant is not present in population databases (gnomAD no frequency). This variant has not been reported in the literature in individuals affected with POLE-related conditions. Advanced modeling of protein sequence and biophysical properties (such as structural, functional, and spatial information, amino acid conservation, physicochemical variation, residue mobility, and thermodynamic stability) performed at Invitae indicates that this missense variant is expected to disrupt POLE protein function. In summary, the available evidence is currently insufficient to determine the role of this variant in disease. Therefore, it has been classified as a Variant of Uncertain Significance.